The following is an entry in ClinVar:

NM_002294.3(LAMP2):c.*2148A>G

Gene: LAMP2 (lysosome associated membrane protein 2; minus strand). Cytogenetic location: Xq24.
Variant type: single nucleotide variant.
Coding change: c.*2148A>G on transcript NM_002294.3 (MANE Select); 2148 bases downstream of the stop codon, A replaced by G.
Molecular consequence: 3 prime UTR variant. On other transcripts: intron variant (1).
Genome position (GRCh38, 1-based): chrX:120,429,175, T>C on the plus strand (A>G on the coding strand, the complement: LAMP2 is on the minus strand). VCF-style: chrX-120429175-T-C. GRCh37 (hg19) VCF-style: chrX-119563030-T-C.
Other names: c.1094-549A>G (NM_001122606.1).
Identifiers: ClinVar variation 367764 (VCV000367764.6), dbSNP rs756504749, ClinGen allele CA10651621.

ClinVar aggregate classification (germline): Benign (1 of 4 stars; one submission).

Conditions:
Danon disease. Also called: ANTOPOL DISEASE; PSEUDOGLYCOGENOSIS II; GSD IIb; LYSOSOMAL GLYCOGEN STORAGE DISEASE WITHOUT ACID MALTASE DEFICIENCY; Glycogen Storage Disease Type IIb. Identifiers: Orphanet 34587, MedGen C0878677, MONDO:0010281, OMIM 300257.

Allele frequency attached by ClinVar (database versions not stated): gnomAD 0.00024 and 0.00027.
gnomAD v4.1: 154 of 715,689 alleles (0.022%); highest among the groups gnomAD compares: Admixed American, 0.048%; 1 homozygote.

Submission:

Illumina Laboratory Services, Illumina
Classification: Benign for Danon disease. Last evaluated: 2018-01-12. Review status: criteria provided, single submitter. Criteria: ICSL Variant Classification Criteria 13 December 2019. Collection method: clinical testing. Allele origin: germline.
Comment: This variant was observed in the ICSL laboratory as part of a predisposition screen in an ostensibly healthy population. It had not been previously curated by ICSL or reported in the Human Gene Mutation Database (HGMD: prior to June 1st, 2018), and was therefore a candidate for classification through an automated scoring system. Utilizing variant allele frequency, disease prevalence and penetrance estimates, and inheritance mode, an automated score was calculated to assess if this variant is too frequent to cause the disease. Based on the score and internal cut-off values, a variant classified as benign is not then subjected to further curation. The score for this variant resulted in a classification of benign for this disease.